The following is an entry in ClinVar:

NM_000535.7(PMS2):c.804-3T>A

Gene: PMS2 (PMS1 homolog 2, mismatch repair system component; minus strand). Cytogenetic location: 7p22.1.
Variant type: single nucleotide variant.
Coding change: c.804-3T>A on transcript NM_000535.7 (MANE Select); 3 bases into the intron before coding-DNA position 804, T replaced by A.
Molecular consequence: intron variant.
Genome position (GRCh38, 1-based): chr7:5,995,636, A>T on the plus strand (T>A on the coding strand, the complement: PMS2 is on the minus strand). VCF-style: chr7-5995636-A-T. GRCh37 (hg19) VCF-style: chr7-6035267-A-T.
Other names: c.486-3T>A (NM_001322008.2, NM_001322007.2); c.399-3T>A (NM_001322010.2, NM_001322004.2, NM_001322003.2 and 2 more transcripts); c.231-3T>A (NM_001322013.2); c.-130-3T>A (NM_001322012.2, NM_001322011.2); c.495-3T>A (NM_001322015.2); c.804-3T>A (NM_001322006.2, NM_001322014.2).
Identifiers: ClinVar variation 1761771 (VCV001761771.2), dbSNP rs1562664868, ClinGen allele CA2580076838.
Genomic context (GRCh38, chr7:5,995,636, plus strand): 5'-TCTGTCTGTTGAACTCCTTCCAACTCCATGCGTGCATTGTGAAATGAAACCTGAGATGCT[A>T]TTCAACATTAATATGGTAAGGGCAGGATTCCAGAGTGAAAGGGATTAGAAATACGATCAC-3'

ClinVar aggregate classification (germline): Uncertain significance (1 of 4 stars; one submission).

Conditions:
Hereditary cancer-predisposing syndrome. Also called: Neoplastic Syndromes, Hereditary; Tumor predisposition; Hereditary Cancer Syndrome; Hereditary neoplastic syndrome. Identifiers: Orphanet 140162, MedGen C0027672, MeSH D009386, MONDO:0015356.

Submission:

Ambry Genetics
Classification: Uncertain significance for Hereditary cancer-predisposing syndrome. Last evaluated: 2020-09-02. Review status: criteria provided, single submitter. Criteria: Ambry Variant Classification Scheme 2023. Collection method: clinical testing. Allele origin: germline.
Comment: The c.804-3T>A intronic variant results from a T to A substitution 3 nucleotides upstream from coding exon 8 in the PMS2 gene. This nucleotide position is poorly conserved in available vertebrate species. In silico splice site analysis for this alteration is inconclusive. Since supporting evidence is limited at this time, the clinical significance of this alteration remains unclear.